The following is an entry in ClinVar:

ClinVar aggregate classification (germline): Likely benign (1 of 4 stars; one submission).

Conditions:
Familial cancer of breast. Also called: hereditary breast carcinoma; Hereditary breast cancer; BREAST CANCER, FAMILIAL. Identifiers: Orphanet 227535, MedGen C0346153, MONDO:0016419, OMIM 114480. Disease mechanism: loss of function.

Submission:

Myriad Genetics, Inc.
Classification: Likely benign for Familial cancer of breast. Last evaluated: 2024-08-23. Review status: criteria provided, single submitter. Criteria: Myriad Autosomal Dominant, Autosomal Recessive and X-Linked Classification Criteria (2023). Collection method: clinical testing. Allele origin: unknown.
Comment: This variant is considered likely benign. This variant is intronic and is not expected to impact mRNA splicing.

NM_032043.3(BRIP1):c.1141-10T>C

Gene: BRIP1 (BRCA1 interacting DNA helicase 1; minus strand). Cytogenetic location: 17q23.2.
Variant type: single nucleotide variant.
Coding change: c.1141-10T>C on transcript NM_032043.3 (MANE Select); 10 bases into the intron before coding-DNA position 1141, T replaced by C.
Molecular consequence: intron variant.
Genome position (GRCh38, 1-based): chr17:61,799,309, A>G on the plus strand (T>C on the coding strand, the complement: BRIP1 is on the minus strand). VCF-style: chr17-61799309-A-G. GRCh37 (hg19) VCF-style: chr17-59876670-A-G.
Identifiers: ClinVar variation 3378646 (VCV003378646.1).